The following is an entry in ClinVar:

NM_004369.4(COL6A3):c.3424G>A (p.Asp1142Asn)

Gene: COL6A3 (collagen type VI alpha 3 chain; minus strand). Cytogenetic location: 2q37.3.
Variant type: single nucleotide variant.
Coding change: c.3424G>A on transcript NM_004369.4 (MANE Select); coding-DNA position 3424, G replaced by A.
Protein change: p.Asp1142Asn; replaces aspartic acid 1142 with asparagine.
Molecular consequence: missense variant.
Genome position (GRCh38, 1-based): chr2:237,374,667, C>T on the plus strand (G>A on the coding strand, the complement: COL6A3 is on the minus strand). VCF-style: chr2-237374667-C-T. GRCh37 (hg19) VCF-style: chr2-238283310-C-T.
Other names: c.2203G>A, p.Asp735Asn (NM_057164.5); c.2806G>A, p.Asp936Asn (NM_057165.5, NM_057167.4); c.1603G>A, p.Asp535Asn (NM_057166.5); short protein forms D1142N, D936N, D535N, D735N.
Identifiers: ClinVar variation 542962 (VCV000542962.11), dbSNP rs777599612, ClinGen allele CA2189172.
Genomic context (GRCh38, chr2:237,374,667, plus strand): 5'-GCACAGCCCCACCCCTCTTCACGACCACGGAGGGGTTCCGCACATCATCCCCAGACCTGT[C>T]GGCCGTGAGGACGATCAGCAGCTGGGGCACACCTTCTGTTATCCTGCTTCCCGCAGAGCT-3'
Protein context (NP_004360.2, residues 1132-1152): VPQLLIVLTA[Asp1142Asn]RSGDDVRNPS

ClinVar aggregate classification (germline): Uncertain significance. Review status: criteria provided, multiple submitters, no conflicts (2 of 4 stars). 2 submissions from 2 submitters: Uncertain significance (2). Last evaluated 2026-01-14.

Conditions:
Inborn genetic diseases. Identifiers: MedGen C0950123, MeSH D030342.
Bethlem myopathy 1A. Also called: MYOPATHY, BENIGN CONGENITAL, WITH CONTRACTURES; Bethlem Muscular Dystrophy; Bethlem myopathy 1. Identifiers: Orphanet 610, MedGen CN029274, MONDO:0024530, OMIM 158810.

Allele frequency attached by ClinVar (database versions not stated): ExAC 0.00004; gnomAD 0.00001 and 0.00002; TOPMed 0.00002.
gnomAD v4.1: 39 of 1,613,866 alleles (0.0024%); highest among the groups gnomAD compares: Middle Eastern, 0.016%; no homozygotes.

Submissions (2):

Labcorp Genetics (formerly Invitae), Labcorp
Classification: Uncertain significance for Bethlem myopathy 1A. Last evaluated: 2026-01-14. Review status: criteria provided, single submitter. Criteria: Invitae Variant Classification Sherloc (09022015). Collection method: clinical testing. Allele origin: germline.
Comment: This sequence change replaces aspartic acid, which is acidic and polar, with asparagine, which is neutral and polar, at codon 1142 of the COL6A3 protein (p.Asp1142Asn). This variant is present in population databases (rs777599612, gnomAD 0.01%). This variant has not been reported in the literature in individuals affected with COL6A3-related conditions. ClinVar contains an entry for this variant (Variation ID: 542962). Invitae Evidence Modeling of protein sequence and biophysical properties (such as structural, functional, and spatial information, amino acid conservation, physicochemical variation, residue mobility, and thermodynamic stability) has been performed for this missense variant. However, the output from this modeling did not meet the statistical confidence thresholds required to predict the impact of this variant on COL6A3 protein function. In summary, the available evidence is currently insufficient to determine the role of this variant in disease. Therefore, it has been classified as a Variant of Uncertain Significance.

Ambry Genetics
Classification: Uncertain significance for Inborn genetic diseases. Last evaluated: 2025-08-08. Review status: criteria provided, single submitter. Criteria: Ambry Variant Classification Scheme 2023. Collection method: clinical testing. Allele origin: germline.